The following is an entry in ClinVar:

ClinVar aggregate classification (germline): Uncertain significance. Review status: criteria provided, multiple submitters, no conflicts (2 of 4 stars). 3 submissions from 3 submitters: Uncertain significance (2). 1 of the submissions does not count toward it. Last evaluated 2022-10-17.

Conditions:
Congenital neutropenia-myelofibrosis-nephromegaly syndrome. Also called: Severe congenital neutropenia 5, autosomal recessive. Identifiers: Orphanet 369852, MedGen C3809031, MONDO:0014118, OMIM 615285.

Allele frequency attached by ClinVar (database versions not stated): ExAC 0.00005; gnomAD exomes 0.00005; TOPMed 0.00005; gnomAD 0.00007 and 0.00009; 1000 Genomes Project 30x 0.00078; 1000 Genomes Project 0.00080.

Submissions (3):

Blueprint Genetics
Classification: Uncertain significance. Last evaluated: 2022-10-17. Review status: criteria provided, single submitter. Criteria: ACMG Guidelines, 2015. Collection method: clinical testing. Allele origin: germline.

Labcorp Genetics (formerly Invitae), Labcorp
Classification: Uncertain significance for Congenital neutropenia-myelofibrosis-nephromegaly syndrome. Last evaluated: 2021-08-27. Review status: criteria provided, single submitter. Criteria: Invitae Variant Classification Sherloc (09022015). Collection method: clinical testing. Allele origin: germline.
Comment: This sequence change replaces valine with isoleucine at codon 191 of the VPS45 protein (p.Val191Ile). The valine residue is highly conserved and there is a small physicochemical difference between valine and isoleucine. This variant is present in population databases (rs200783288, ExAC 0.02%). This variant has not been reported in the literature in individuals affected with VPS45-related conditions. Algorithms developed to predict the effect of missense changes on protein structure and function (SIFT, PolyPhen-2, Align-GVGD) all suggest that this variant is likely to be tolerated. In summary, the available evidence is currently insufficient to determine the role of this variant in disease. Therefore, it has been classified as a Variant of Uncertain Significance.

Natera, Inc.
Classification: Uncertain significance for Autosomal recessive severe congenital neutropenia 5. Last evaluated: 2021-03-27. Review status: no assertion criteria provided. Collection method: clinical testing. Allele origin: germline. Not counted in ClinVar's aggregate classification.

NM_007259.5(VPS45):c.571G>A (p.Val191Ile)

Gene: VPS45 (vacuolar protein sorting 45 homolog; plus strand). Cytogenetic location: 1q21.2.
Variant type: single nucleotide variant.
Coding change: c.571G>A on transcript NM_007259.5 (MANE Select); coding-DNA position 571, G replaced by A.
Protein change: p.Val191Ile; replaces valine 191 with isoleucine.
Molecular consequence: missense variant. On other transcripts: intron variant (1).
Genome position (GRCh38, 1-based): chr1:150,077,226, G>A. VCF-style: chr1-150077226-G-A. GRCh37 (hg19) VCF-style: chr1-150049304-G-A.
Other names: c.463G>A, p.Val155Ile (NM_001279354.2); c.262-443G>A (NM_001279353.2); c.571G>A, p.Val191Ile (LRG_1170t1); short protein forms V191I, V155I.
Identifiers: ClinVar variation 642887 (VCV000642887.11), dbSNP rs200783288, ClinGen allele CA1073163.